The following is an entry in ClinVar:

NM_032607.3(CREB3L3):c.890+5G>A

Gene: CREB3L3 (cAMP responsive element binding protein 3 like 3; plus strand). Cytogenetic location: 19p13.3.
Variant type: single nucleotide variant.
Coding change: c.890+5G>A on transcript NM_032607.3 (MANE Select); 5 bases into the intron after coding-DNA position 890, G replaced by A.
Molecular consequence: intron variant.
Genome position (GRCh38, 1-based): chr19:4,170,213, G>A. VCF-style: chr19-4170213-G-A. GRCh37 (hg19) VCF-style: chr19-4170210-G-A.
Other names: c.783+5G>A (NM_001271997.2); c.884+5G>A (NM_001271996.2); c.887+5G>A (NM_001271995.2).
Identifiers: ClinVar variation 1901657 (VCV001901657.5), dbSNP rs2512358727, ClinGen allele CA2580096983.
Genomic context (GRCh38, chr19:4,170,213, plus strand): 5'-ACTGCTCAGAATCAGGAGTTACAGAGGAAAGTCTTGCATCTCGAGAAGCAAAACCTGTGA[G>A]TCTGGGTCCAGCTGGGGCAGAGGACAGGGGAAGCAGCCCCAGAGTCCCTTTGCAGGAAGA-3'

ClinVar aggregate classification (germline): Uncertain significance (1 of 4 stars; one submission).

Submission:

Labcorp Genetics (formerly Invitae), Labcorp
Classification: Uncertain significance. Last evaluated: 2022-09-26. Review status: criteria provided, single submitter. Criteria: Invitae Variant Classification Sherloc (09022015). Collection method: clinical testing. Allele origin: germline.
Comment: In summary, the available evidence is currently insufficient to determine the role of this variant in disease. Therefore, it has been classified as a Variant of Uncertain Significance. Variants that disrupt the consensus splice site are a relatively common cause of aberrant splicing (PMID: 17576681, 9536098). Algorithms developed to predict the effect of sequence changes on RNA splicing suggest that this variant may disrupt the consensus splice site. This variant has not been reported in the literature in individuals affected with CREB3L3-related conditions. This variant is not present in population databases (gnomAD no frequency). This sequence change falls in intron 7 of the CREB3L3 gene. It does not directly change the encoded amino acid sequence of the CREB3L3 protein. It affects a nucleotide within the consensus splice site.

Literature cited by the submitters: PubMed 17576681; PubMed 9536098.